The following is an entry in ClinVar:

ClinVar aggregate classification (germline): Pathogenic/Likely pathogenic. Review status: criteria provided, multiple submitters, no conflicts (2 of 4 stars). 2 submissions from 2 submitters: Pathogenic (1); Likely pathogenic (1). Last evaluated 2024-12-04.

Conditions:
Polycystic kidney disease 3 with or without polycystic liver disease. Also called: Polycystic kidney disease 3; POLYCYSTIC KIDNEY DISEASE, ADULT, TYPE III; Polycystic Kidney and/or Polycystic Liver Disease 3. Identifiers: MedGen C3887964, MONDO:0010916, OMIM 600666.
GANAB-related disorder. Also called: GANAB-related condition.

Allele frequency attached by ClinVar (database versions not stated): gnomAD exomes below 0.00001; TOPMed 0.00001.
gnomAD v4.1: 1 of 1,613,994 alleles (0.000062%); highest among the groups gnomAD compares: Non-Finnish European, 0.000085%; no homozygotes.

Submissions (2):

PreventionGenetics, part of Exact Sciences
Classification: Pathogenic for GANAB-related condition. Last evaluated: 2024-12-04. Review status: criteria provided, single submitter. Criteria: ACMG Guidelines, 2015. Collection method: clinical testing. Allele origin: germline.
Comment: The GANAB c.517C>T variant is predicted to result in premature protein termination (p.Arg173*). To our knowledge, this variant has not been reported in the literature. This variant is reported in 0.00088% of alleles in individuals of European (Non-Finnish) descent in gnomAD. Nonsense variants in GANAB are expected to be pathogenic. This variant is interpreted as pathogenic.

Greenwood Genetic Center Diagnostic Laboratories, Greenwood Genetic Center
Classification: Likely pathogenic for Polycystic kidney disease 3 with or without polycystic liver disease. Last evaluated: 2023-01-19. Review status: criteria provided, single submitter. Criteria: ACMG Guidelines, 2015. Collection method: clinical testing. Allele origin: germline. Affected: yes.
Comment: PVS1, PM2

NM_198334.3(GANAB):c.517C>T (p.Arg173Ter)

Gene: GANAB (glucosidase II alpha subunit; minus strand). Cytogenetic location: 11q12.3.
Variant type: single nucleotide variant.
Coding change: c.517C>T on transcript NM_198334.3 (MANE Select); coding-DNA position 517, C replaced by T.
Protein change: p.Arg173Ter; replaces arginine 173 with a stop codon.
Molecular consequence: nonsense. On other transcripts: 5 prime UTR variant (2).
Genome position (GRCh38, 1-based): chr11:62,634,864, G>A on the plus strand (C>T on the coding strand, the complement: GANAB is on the minus strand). VCF-style: chr11-62634864-G-A. GRCh37 (hg19) VCF-style: chr11-62402336-G-A.
Other names: c.175C>T, p.Arg59Ter (NM_001278192.2, NM_001278193.2); c.226C>T, p.Arg76Ter (NM_001278194.2, NM_001329222.2, NM_001329223.2); c.-260C>T (NM_001329224.2, NM_001329225.2); c.517C>T, p.Arg173Ter (NM_198335.4); c.517C>T (NM_198335.3); short protein forms R173*, R59*, R76*.
Identifiers: ClinVar variation 2505230 (VCV002505230.2), dbSNP rs1394696665, ClinGen allele CA380995804.